The following is an entry in ClinVar:

NM_001378457.1(DMXL2):c.6834-1G>T

Gene: DMXL2 (Dmx like 2; minus strand). Cytogenetic location: 15q21.2.
Variant type: single nucleotide variant.
Coding change: c.6834-1G>T on transcript NM_001378457.1 (MANE Select); the canonical splice acceptor site of the intron before coding-DNA position 6834, G replaced by T.
Molecular consequence: splice acceptor variant. On other transcripts: intron variant (6).
Genome position (GRCh38, 1-based): chr15:51,476,720, C>A on the plus strand (G>T on the coding strand, the complement: DMXL2 is on the minus strand). VCF-style: chr15-51476720-C-A. GRCh37 (hg19) VCF-style: chr15-51768917-C-A.
Other names: c.4815-4G>T (NM_001378460.1); c.4926-4G>T (NM_001174117.3); c.6834-4G>T (NM_015263.5, NM_001378458.1, NM_001378462.1); c.6834-1G>T (NM_001378459.1, NM_001174116.3, NM_001378463.1 and 1 more transcripts); c.6594-4G>T (NM_001378464.1).
Identifiers: ClinVar variation 3016191 (VCV003016191.3), dbSNP rs2041613817, ClinGen allele CA392441698.

ClinVar aggregate classification (germline): Likely pathogenic (1 of 4 stars; one submission).

gnomAD v4.1: 2 of 1,593,800 alleles (0.00013%); highest among the groups gnomAD compares: Non-Finnish European, 0.00017%; no homozygotes.

Submission:

Labcorp Genetics (formerly Invitae), Labcorp
Classification: Likely pathogenic. Last evaluated: 2024-04-17. Review status: criteria provided, single submitter. Criteria: Invitae Variant Classification Sherloc (09022015). Collection method: clinical testing. Allele origin: germline.
Comment: This sequence change affects an acceptor splice site in intron 26 of the DMXL2 gene. It is expected to disrupt RNA splicing. Variants that disrupt the donor or acceptor splice site typically lead to a loss of protein function (PMID: 16199547), and loss-of-function variants in DMXL2 are known to be pathogenic (PMID: 30237576, 31688942). This variant is not present in population databases (gnomAD no frequency). This variant has not been reported in the literature in individuals affected with DMXL2-related conditions. Algorithms developed to predict the effect of sequence changes on RNA splicing suggest that this variant may disrupt the consensus splice site. In summary, the currently available evidence indicates that the variant is pathogenic, but additional data are needed to prove that conclusively. Therefore, this variant has been classified as Likely Pathogenic.

Literature cited by the submitters: PubMed 16199547; PubMed 30237576; PubMed 31688942.